The following is an entry in ClinVar:

NM_000782.5(CYP24A1):c.1186C>T (p.Arg396Trp)

Gene: CYP24A1 (cytochrome P450 family 24 subfamily A member 1; minus strand). Cytogenetic location: 20q13.2.
Variant type: single nucleotide variant.
Coding change: c.1186C>T on transcript NM_000782.5 (MANE Select); coding-DNA position 1186, C replaced by T.
Protein change: p.Arg396Trp; replaces arginine 396 with tryptophan.
Molecular consequence: missense variant.
Genome position (GRCh38, 1-based): chr20:54,158,136, G>A on the plus strand (C>T on the coding strand, the complement: CYP24A1 is on the minus strand). VCF-style: chr20-54158136-G-A. GRCh37 (hg19) VCF-style: chr20-52774675-G-A.
Other names: CYP24A1, ARG396TRP (rs114368325); c.1186C>T, p.Arg396Trp (NM_001128915.2); short protein forms R396W.
Identifiers: ClinVar variation 29679 (VCV000029679.72), dbSNP rs114368325, ClinGen allele CA128554.
Genomic context (GRCh38, chr20:54,158,136, plus strand): 5'-TTCTACTTACTCCTTTGGGTAAAGCATATTCACCCAGAACTGTTGCCTTGTCAAGAGTCC[G>A]AGTTGTAAATGGTACACTCGGCGTAAGCCTGAAAAGATAAAATCAAAGATGTAAAGGTGA-3'
Protein context (NP_000773.2, residues 386-406): RLTPSVPFTT[Arg396Trp]TLDKATVLGE

ClinVar aggregate classification (germline): Pathogenic/Likely pathogenic. Review status: criteria provided, multiple submitters, no conflicts (2 of 4 stars). 27 submissions from 27 submitters: Pathogenic (23); Likely pathogenic (1). 3 of the submissions do not count toward it. Last evaluated 2026-02-27.

Conditions:
CYP24A1-related disorders.
CYP24A1-related disorder. Also called: CYP24A1-related condition.
Renal tubulopathies.
Inborn genetic diseases. Identifiers: MedGen C0950123, MeSH D030342.
Hypercalcemia, infantile, 1 (HCINF1). Identifiers: Orphanet 300547, MedGen CN031131, MONDO:0020739, OMIM 143880.
Muscle spasm. Also called: Muscle cramps; spasm of muscle. Identifiers: MedGen C0037763, HP:0003394.

Allele frequency attached by ClinVar (database versions not stated): TOPMed 0.00064; gnomAD 0.00079 and 0.00078; 1000 Genomes Project 0.00040; 1000 Genomes Project 30x 0.00047; ESP Exome Variant Server 0.00054.
gnomAD v4.1: 1,256 of 1,614,010 alleles (0.078%); highest among the groups gnomAD compares: Non-Finnish European, 0.092%; 3 homozygotes.

Submissions 1 to 9 of 27:

Genetics Laboratory, Great Ormond Street Hospital NHS Foundation Trust, North Thames Genomic Laboratory Hub
Classification: Pathogenic for Renal tubulopathies. Last evaluated: 2026-02-27. Review status: criteria provided, single submitter. Criteria: ACGS Best Practice Guidelines for Variant Classification in Rare Disease 2024 v1.2. Collection method: clinical testing. Allele origin: germline. Affected: yes.
Comment: PP3_supporting, PS3_moderate, PP1_moderate, PM3_very-strong

PreventionGenetics, part of Exact Sciences
Classification: Pathogenic for CYP24A1-related condition. Last evaluated: 2026-02-17. Review status: criteria provided, single submitter. Criteria: ACMG Guidelines, 2015. Collection method: clinical testing. Allele origin: germline.
Comment: The CYP24A1 c.1186C>T variant is predicted to result in the amino acid substitution p.Arg396Trp. This variant has been reported in the homozygous or compound heterozygous state in many individuals with infantile hypercalcemia (Schlingmann et al. 2011. PubMed ID: 21675912; Cools et al. 2015. PubMed ID: 26117226; Hawkes et al. 2017. PubMed ID: 28324001). Functional studies indicated the p.Arg396Trp variant results in abolishment of the CYP24A1 enzymatic activity (Schlingmann et al. 2011. PubMed ID: 21675912). This variant is reported in 0.15% of alleles in individuals of European (Finnish) descent in gnomAD. This variant is interpreted as pathogenic for autosomal recessive infantile hypercalcemia.

Labcorp Genetics (formerly Invitae), Labcorp
Classification: Pathogenic. Last evaluated: 2026-01-28. Review status: criteria provided, single submitter. Criteria: Invitae Variant Classification Sherloc (09022015). Collection method: clinical testing. Allele origin: germline.
Comment: This sequence change replaces arginine, which is basic and polar, with tryptophan, which is neutral and slightly polar, at codon 396 of the CYP24A1 protein (p.Arg396Trp). This variant is present in population databases (rs114368325, gnomAD 0.1%), including at least one homozygous and/or hemizygous individual. This missense change has been observed in individuals with idiopathic infantile hypercalcemia (PMID: 21675912, 23001465, 23485543, 25446019, 27394135, 27798933, 28470390). It has also been observed to segregate with disease in related individuals. ClinVar contains an entry for this variant (Variation ID: 29679). Invitae Evidence Modeling of protein sequence and biophysical properties (such as structural, functional, and spatial information, amino acid conservation, physicochemical variation, residue mobility, and thermodynamic stability) indicates that this missense variant is expected to disrupt CYP24A1 protein function with a positive predictive value of 95%. Experimental studies have shown that this missense change affects CYP24A1 function (PMID: 21675912). For these reasons, this variant has been classified as Pathogenic.

GeneDx
Classification: Pathogenic. Last evaluated: 2025-10-30. Review status: criteria provided, single submitter. Criteria: GeneDx Variant Classification Process June 2021. Collection method: clinical testing. Allele origin: germline. Affected: yes.
Comment: Published functional studies demonstrate this variant results in the loss of enzymatic activity (PMID: 21675912); In silico analysis supports that this missense variant has a deleterious effect on protein structure/function; This variant is associated with the following publications: (PMID: 26097993, 36703897, 37701149, 23485543, 34337279, 34805638, 34320495, 38547852, 39888183, 34515170, 32743688, 35325889, 23001465, 24518185, 22047571, 25194629, 21675912, 26117226, 28324001, 30729229, 29786188, 27798933, 31751313, 3490596, 25446019, 27394135, 31672324, 31980526, 26585929, 34307984, 34426522, 31589614, 33099630, 33186763, 33226606, 33502802, 33726816, 35569070, 28470390, 39394929, 38586466, 38665259, 40157519)

Rare Kidney Stone Consortium and the Mayo Clinic Hyperoxaluria Center, Mayo Clinic
Classification: Pathogenic for Hypercalcemia, infantile, 1. Last evaluated: 2025-10-03. Review status: criteria provided, single submitter. Criteria: ACMG Guidelines, 2015. Collection method: research. Allele origin: germline. Affected: yes. Observed: 5 variant alleles.
Comment: ACMG:PM1, PM2, PM5, PP3, PP5

Variantyx, Inc.
Classification: Pathogenic for Hypercalcemia, infantile, 1. Last evaluated: 2025-07-09. Review status: criteria provided, single submitter. Criteria: Variantyx Assertion Criteria 2022. Collection method: clinical testing. Allele origin: germline. Inheritance: Autosomal recessive inheritance. Affected: no.
Comment: This is a nonsynonymous variant in the CYP24A1 gene (OMIM: 126065). Pathogenic variants in this gene have been associated with autosomal recessive infantile hypercalcemia 1. This variant has been reported in the homozygous or compound heterozygous state in many unrelated affected individuals (PMID: 21675912, 23001465, 25446019, 27394135, 27798933) (PM3), and it has been observed to segregate with disease in at least two individuals from one family (PMID: 21675912) (PP1). Functional studies have shown that this variant alters CYP24A1 protein function (PMID: 21675912) (PS3), and multiple computational algorithms predict a deleterious effect for this variant (REVEL score: 0.873) (PP3). Furthermore, an alternate amino acid change at this position (p.Arg396Gln) has been previously reported in similarly affected individuals, which suggests that this residue is biologically important (PMID: 25446019, 26214117) (PM5). This variant has a 0.0925% maximum allele frequency in non-founder control populations (PM2). Based on the current evidence, this variant is classified as pathogenic for autosomal recessive infantile hypercalcemia 1.

Dasa
Classification: Pathogenic. Last evaluated: 2025-07-07. Review status: criteria provided, single submitter. Criteria: DASA Assertion Criteria. Collection method: clinical testing. Allele origin: germline.
Comment: NM_000782.5(CYP24A1):c.1186C>T (p.Arg396Trp) is a missense variant that results in the substitution of arginine with tryptophan. The affected residue or protein region has prior evidence supporting clinical relevance. Segregation evidence has been reported in affected families. This variant has been recurrently observed in affected individuals with related phenotype in a genotype context consistent with recessive disease (PMID: 21675912; PMID: 23001465; PMID: 25446019; PMID: 27394135; PMID: 27798933). Functional evidence supports a deleterious effect on the gene or gene product (PMID: 21675912; PMID: 23001465; PMID: 25446019; PMID: 27394135; PMID: 27798933). Multiple computational predictions support a deleterious effect on the gene or gene product. The variant is present at low frequency in population datasets. Based on the available data, this variant is classified as pathogenic.

Women's Health and Genetics/Laboratory Corporation of America, LabCorp
Classification: Pathogenic for Hypercalcemia, infantile, 1. Last evaluated: 2025-06-03. Review status: criteria provided, single submitter. Criteria: LabCorp Variant Classification Summary - May 2015. Collection method: clinical testing. Allele origin: germline.
Comment: Variant summary: CYP24A1 c.1186C>T (p.Arg396Trp) results in a non-conservative amino acid change in the encoded protein sequence. Algorithms developed to predict the effect of missense changes on protein structure and function all suggest that this variant is likely to be disruptive. The variant allele was found at a frequency of 0.00066 in 251228 control chromosomes, predominantly at a frequency of 0.0011 within the Non-Finnish European subpopulation in the gnomAD database, including 1 homozygote. This frequency is not significantly higher than estimated for a pathogenic variant in CYP24A1 causing Infantile Hypercalcemia 1, allowing no conclusion about variant significance. c.1186C>T has been observed in the homozygous and compound heterozygous state in multiple individuals affected with Idiopathic Infantile Hypercalcemia (e.g. Schlingmann_2011). These data indicate that the variant is very likely to be associated with disease. At least one publication reports experimental evidence evaluating an impact on protein function in vitro and found that the variant resulted in a complete loss of enzyme activity (e.g. Schlingmann_2011). The following publication has been ascertained in the context of this evaluation (PMID: 21675912). ClinVar contains an entry for this variant (Variation ID: 29679). Based on the evidence outlined above, the variant was classified as pathogenic.

Revvity Omics, Revvity
Classification: Pathogenic for Hypercalcemia, infantile, 1. Last evaluated: 2025-05-05. Review status: criteria provided, single submitter. Criteria: ACMG Guidelines, 2015. Collection method: clinical testing. Allele origin: germline.